The following is an entry in ClinVar:

ClinVar aggregate classification (germline): Uncertain significance (1 of 4 stars; one submission).

Conditions:
Hypertrophic cardiomyopathy. Also called: HYPERTROPHIC MYOCARDIOPATHY. Identifiers: Orphanet 217569, MedGen C0007194, MeSH D002312, MONDO:0005045, HP:0001639.

Submission:

Labcorp Genetics (formerly Invitae), Labcorp
Classification: Uncertain significance for Hypertrophic cardiomyopathy. Last evaluated: 2022-11-01. Review status: criteria provided, single submitter. Criteria: Invitae Variant Classification Sherloc (09022015). Collection method: clinical testing. Allele origin: germline.
Comment: In summary, the available evidence is currently insufficient to determine the role of this variant in disease. Therefore, it has been classified as a Variant of Uncertain Significance. Algorithms developed to predict the effect of missense changes on protein structure and function (SIFT, PolyPhen-2, Align-GVGD) all suggest that this variant is likely to be disruptive. ClinVar contains an entry for this variant (Variation ID: 1371218). This variant has not been reported in the literature in individuals affected with MYBPC3-related conditions. This variant is not present in population databases (gnomAD no frequency). This sequence change replaces serine, which is neutral and polar, with tyrosine, which is neutral and polar, at codon 855 of the MYBPC3 protein (p.Ser855Tyr).

NM_000256.3(MYBPC3):c.2564C>A (p.Ser855Tyr)

Gene: MYBPC3 (myosin binding protein C3; minus strand). Cytogenetic location: 11p11.2.
Variant type: single nucleotide variant.
Coding change: c.2564C>A on transcript NM_000256.3 (MANE Select); coding-DNA position 2564, C replaced by A.
Protein change: p.Ser855Tyr; replaces serine 855 with tyrosine.
Molecular consequence: missense variant.
Genome position (GRCh38, 1-based): chr11:47,337,429, G>T on the plus strand (C>A on the coding strand, the complement: MYBPC3 is on the minus strand). VCF-style: chr11-47337429-G-T. GRCh37 (hg19) VCF-style: chr11-47358980-G-T.
Other names: short protein forms S855Y.
Identifiers: ClinVar variation 1371218 (VCV001371218.6), dbSNP rs2142855157, ClinGen allele CA380318123.